The following is an entry in ClinVar:

NM_000085.5(CLCNKB):c.359G>T (p.Gly120Val)

Genes: CLCNKB (chloride voltage-gated channel Kb; plus strand), LOC106501713 (CLCNKB recombination region; plus strand). Cytogenetic location: 1p36.13.
Variant type: single nucleotide variant.
Coding change: c.359G>T on transcript NM_000085.5 (MANE Select); coding-DNA position 359, G replaced by T.
Protein change: p.Gly120Val; replaces glycine 120 with valine.
Molecular consequence: missense variant.
Genome position (GRCh38, 1-based): chr1:16,047,905, G>T. VCF-style: chr1-16047905-G-T. GRCh37 (hg19) VCF-style: chr1-16374400-G-T.
Other names: short protein forms G120V.
Identifiers: ClinVar variation 381727 (VCV000381727.2), dbSNP rs1057521154, ClinGen allele CA16603472.

ClinVar aggregate classification (germline): Likely pathogenic (1 of 4 stars; one submission).

Allele frequency attached by ClinVar (database versions not stated): gnomAD exomes below 0.00001.
gnomAD v4.1: 2 of 1,613,564 alleles (0.00012%); highest among the groups gnomAD compares: Middle Eastern, 0.018%; no homozygotes.

Submission:

GeneDx
Classification: Likely pathogenic. Last evaluated: 2017-01-06. Review status: criteria provided, single submitter. Criteria: GeneDx Variant Classification (06012015). Collection method: clinical testing. Allele origin: germline. Affected: yes.
Comment: The G120V variant in the CLCNKB gene has been reported previously in the compound heterozygous state with another CLCNKB variant in two unrelated individuals, one with neonatal Bartter syndrome and the other patient with classic Bartter syndrome (Lee et al., 2012). The G120V variant was not observed in approximately 6500 individuals of European and African American ancestry in the NHLBI Exome Sequencing Project, indicating it is not a common benign variant in these populations. The G120V variant is a conservative amino acid substitution, which is not likely to impact secondary protein structure as these residues share similar properties. However, this substitution occurs at a position that is conserved across species, and in silico analysis predicts this variant is probably damaging to the protein structure/function. The G120V variant is a strong candidate for a pathogenic variant.